The following is an entry in ClinVar:

NM_001614.5(ACTG1):c.81C>T (p.Pro27=)

Genes: ACTG1 (actin gamma 1; minus strand), LOC130061940 (ATAC-STARR-seq lymphoblastoid active region 12964; plus strand). Cytogenetic location: 17q25.3.
Variant type: single nucleotide variant.
Coding change: c.81C>T on transcript NM_001614.5 (MANE Select); coding-DNA position 81, C replaced by T.
Protein change: p.Pro27=; no amino-acid change (proline 27 retained).
Molecular consequence: synonymous variant. On other transcripts: non-coding transcript variant (1).
Genome position (GRCh38, 1-based): chr17:81,512,274, G>A on the plus strand (C>T on the coding strand, the complement: ACTG1 is on the minus strand). VCF-style: chr17-81512274-G-A. GRCh37 (hg19) VCF-style: chr17-79479300-G-A.
Other names: c.81C>T, p.Pro27= (NM_001199954.3).
Identifiers: ClinVar variation 210095 (VCV000210095.45), dbSNP rs11549230, ClinGen allele CA209417.

ClinVar aggregate classification (germline): Benign/Likely benign. Review status: criteria provided, multiple submitters, no conflicts (2 of 4 stars). 6 submissions from 6 submitters: Benign (2); Likely benign (3). 1 of the submissions does not count toward it. Last evaluated 2026-08-01.

Conditions:
Baraitser-winter syndrome 2. Identifiers: Orphanet 2995, MedGen C3281235, MONDO:0013812, OMIM 614583.
Autosomal dominant nonsyndromic hearing loss 20. Identifiers: Orphanet 90635, MedGen C1858172, MONDO:0011480, OMIM 604717.

Allele frequency attached by ClinVar (database versions not stated): TOPMed 0.00003; gnomAD 0.00004 and 0.00009; ESP Exome Variant Server 0.00008; 1000 Genomes Project 0.00020; 1000 Genomes Project 30x 0.00047.

Submissions (6):

CeGaT Center for Human Genetics Tuebingen
Classification: Likely benign. Last evaluated: 2026-08-01. Review status: criteria provided, single submitter. Criteria: CeGaT Center For Human Genetics Tuebingen Variant Classification Criteria Version 2. Collection method: clinical testing. Allele origin: germline. Affected: yes. Observed: 3 variant alleles.
Comment: ACTG1: BP4, BP7

Labcorp Genetics (formerly Invitae), Labcorp
Classification: Benign for Baraitser-winter syndrome 2; Autosomal dominant nonsyndromic hearing loss 20. Last evaluated: 2026-01-24. Review status: criteria provided, single submitter. Criteria: Invitae Variant Classification Sherloc (09022015). Collection method: clinical testing. Allele origin: germline.

Blueprint Genetics
Classification: Likely benign. Last evaluated: 2024-03-15. Review status: criteria provided, single submitter. Criteria: ACMG Guidelines, 2015. Collection method: clinical testing. Allele origin: germline.

GeneDx
Classification: Benign. Last evaluated: 2021-01-10. Review status: criteria provided, single submitter. Criteria: GeneDx Variant Classification Process June 2021. Collection method: clinical testing. Allele origin: germline. Affected: yes.

Laboratory for Molecular Medicine, Mass General Brigham Personalized Medicine
Classification: Likely benign. Last evaluated: 2012-04-30. Review status: criteria provided, single submitter. Criteria: LMM Criteria. Collection method: clinical testing. Allele origin: germline. Observed: 1 variant allele.
Comment: Pro27Pro in Exon 02 of ACTG1: This variant is not expected to have clinical significance because it does not alter an amino acid residue, is not located within the splice consensus sequence, and has been identified in 1/7020 European American chromosomes from a broad population by the NHLBI Exome Sequencing Project (dbSNP rs11549230).

Genetic Services Laboratory, University of Chicago
Classification: Uncertain significance. Last evaluated: 2015-05-26. Review status: flagged submission. Criteria: ACMG Guidelines, 2015. Collection method: clinical testing. Allele origin: germline. Not counted in ClinVar's aggregate classification.
ClinVar note: Reason: Older and outlier claim with insufficient supporting evidence